The following is an entry in ClinVar:

NM_139215.3(TAF15):c.934A>G (p.Ile312Val)

Gene: TAF15 (TATA-box binding protein associated factor 15; plus strand). Cytogenetic location: 17q12.
Variant type: single nucleotide variant.
Coding change: c.934A>G on transcript NM_139215.3 (MANE Select); coding-DNA position 934, A replaced by G.
Protein change: p.Ile312Val; replaces isoleucine 312 with valine.
Molecular consequence: missense variant.
Genome position (GRCh38, 1-based): chr17:35,842,387, A>G. VCF-style: chr17-35842387-A-G. GRCh37 (hg19) VCF-style: chr17-34169391-A-G.
Other names: c.925A>G, p.Ile309Val (NM_003487.4); c.934A>G (NM_139215.1); short protein forms I309V, I312V.
Identifiers: ClinVar variation 2631956 (VCV002631956.2), dbSNP rs144520577, ClinGen allele CA290039939.

ClinVar aggregate classification (germline): Uncertain significance. Review status: criteria provided, multiple submitters, no conflicts (2 of 4 stars). 2 submissions from 2 submitters: Uncertain significance (2). Last evaluated 2024-08-28.

Conditions:
TAF15-related disorder. Also called: TAF15-related condition.

Allele frequency attached by ClinVar (database versions not stated): gnomAD 0.00001; ExAC 0.00002; TOPMed 0.00002; gnomAD exomes 0.00007; ESP Exome Variant Server 0.00023.
gnomAD v4.1: 116 of 1,613,934 alleles (0.0072%); highest among the groups gnomAD compares: Non-Finnish European, 0.0089%; no homozygotes.

Submissions (2):

Ambry Genetics
Classification: Uncertain significance. Last evaluated: 2024-08-28. Review status: criteria provided, single submitter. Criteria: Ambry Variant Classification Scheme 2023. Collection method: clinical testing. Allele origin: germline.

PreventionGenetics, part of Exact Sciences
Classification: Uncertain significance for TAF15-related condition. Last evaluated: 2023-08-23. Review status: criteria provided, single submitter. Criteria: ACMG Guidelines, 2015. Collection method: clinical testing. Allele origin: germline.
Comment: The TAF15 c.934A>G variant is predicted to result in the amino acid substitution p.Ile312Val. To our knowledge, this variant has not been reported in the literature. This variant is reported in 0.0044% of alleles in individuals of European (Non-Finnish) descent in gnomAD. At this time, the clinical significance of this variant is uncertain due to the absence of conclusive functional and genetic evidence.